The following is an entry in ClinVar:

ClinVar aggregate classification (germline): Benign (1 of 4 stars; one submission).

Allele frequency attached by ClinVar (database versions not stated): gnomAD exomes 0.00008; ExAC 0.00030; ESP Exome Variant Server 0.00046; 1000 Genomes Project 0.00080; gnomAD 0.00087; 1000 Genomes Project 30x 0.00094; TOPMed 0.00102.
gnomAD v4.1: 258 of 1,613,914 alleles (0.016%); highest among the groups gnomAD compares: African/African-American, 0.3%; 2 homozygotes.

Submission:

CeGaT Center for Human Genetics Tuebingen
Classification: Benign. Last evaluated: 2022-09-01. Review status: criteria provided, single submitter. Criteria: CeGaT Center For Human Genetics Tuebingen Variant Classification Criteria Version 2. Collection method: clinical testing. Allele origin: germline. Affected: yes. Observed: 1 variant allele.
Comment: CELSR3: BS1, BS2

NM_001407.3(CELSR3):c.4870A>G (p.Lys1624Glu)

Gene: CELSR3 (cadherin EGF LAG seven-pass G-type receptor 3; minus strand). Cytogenetic location: 3p21.31.
Variant type: single nucleotide variant.
Coding change: c.4870A>G on transcript NM_001407.3 (MANE Select); coding-DNA position 4870, A replaced by G.
Protein change: p.Lys1624Glu; replaces lysine 1624 with glutamic acid.
Molecular consequence: missense variant.
Genome position (GRCh38, 1-based): chr3:48,655,162, T>C on the plus strand (A>G on the coding strand, the complement: CELSR3 is on the minus strand). VCF-style: chr3-48655162-T-C. GRCh37 (hg19) VCF-style: chr3-48692595-T-C.
Other names: short protein forms K1624E.
Identifiers: ClinVar variation 2653800 (VCV002653800.24), dbSNP rs143958970, ClinGen allele CA2384880.
Genomic context (GRCh38, chr3:48,655,162, plus strand): 5'-CAAACTGCAGAGCCACGGCCACATCACAATCATCCACGCTTAGCACAGCCACCTTGTCCT[T>C]GGAGGGGCCCTGTGCACCCCCTAGGGCATCTGTCCGGGGCTGAAGACGCAGGCACACCAG-3'
Protein context (NP_001398.2, residues 1614-1634): DALGGAQGPS[Lys1624Glu]DKVAVLSVDD